The following is an entry in ClinVar:

NM_001253852.3(AP4B1):c.1499A>G (p.Tyr500Cys)

Genes: AP4B1 (adaptor related protein complex 4 subunit beta 1; minus strand), AP4B1-AS1 (AP4B1 antisense RNA 1; plus strand). Cytogenetic location: 1p13.2.
Variant type: single nucleotide variant.
Coding change: c.1499A>G on transcript NM_001253852.3 (MANE Select); coding-DNA position 1499, A replaced by G.
Protein change: p.Tyr500Cys; replaces tyrosine 500 with cysteine.
Molecular consequence: missense variant.
Genome position (GRCh38, 1-based): chr1:113,896,269, T>C on the plus strand (A>G on the coding strand, the complement: AP4B1 is on the minus strand). VCF-style: chr1-113896269-T-C. GRCh37 (hg19) VCF-style: chr1-114438891-T-C.
Other names: c.1202A>G, p.Tyr401Cys (NM_001253853.3); c.995A>G, p.Tyr332Cys (NM_001308312.2); c.1499A>G, p.Tyr500Cys (NM_006594.5); short protein forms Y332C, Y500C, Y401C.
Identifiers: ClinVar variation 1028530 (VCV001028530.1), dbSNP rs1667452008, ClinGen allele CA341709742.

ClinVar aggregate classification (germline): Uncertain significance (1 of 4 stars; one submission).

Conditions:
Hereditary spastic paraplegia 47. Also called: Spastic paraplegia 47, autosomal recessive; adaptor protein 4 (AP-4) deficiency syndrome; CEREBRAL PALSY, SPASTIC QUADRIPLEGIC, 5. Identifiers: Orphanet 280763, MedGen C3279738, MONDO:0013551, OMIM 614066.

Submission:

Baylor Genetics
Classification: Uncertain significance for Hereditary spastic paraplegia 47. Last evaluated: 2020-06-03. Review status: criteria provided, single submitter. Criteria: ACMG Guidelines, 2015. Collection method: clinical testing. Allele origin: unknown. Affected: yes.
Comment: This variant was determined to be of uncertain significance according to ACMG Guidelines, 2015 [PMID:25741868].